The following is an entry in ClinVar:

ClinVar aggregate classification (germline): Conflicting classifications of pathogenicity. Review status: criteria provided, conflicting classifications (1 of 4 stars). 2 submissions from 2 submitters: Pathogenic (1); Uncertain significance (1). Last evaluated 2026-03-02.

Conditions:
Sessile serrated polyposis cancer syndrome (SSPCS). Identifiers: Orphanet 157798, MedGen C4310714, MONDO:0014919, OMIM 617108.

Submissions (2):

Ambry Genetics
Classification: Uncertain significance. Last evaluated: 2026-03-02. Review status: criteria provided, single submitter. Criteria: Ambry Variant Classification Scheme 2023. Collection method: clinical testing. Allele origin: germline.
Comment: The c.1794_1798delCACCA variant, located in coding exon 8 of the RNF43 gene, results from a deletion of 5 nucleotides at nucleotide positions 1794 to 1798, causing a translational frameshift with a predicted alternate stop codon (p.T599Ifs*12). The evidence for this gene-disease relationship is limited; therefore, the clinical significance of this variant is unclear.

Myriad Genetics, Inc.
Classification: Pathogenic for Sessile serrated polyposis cancer syndrome. Last evaluated: 2025-12-12. Review status: criteria provided, single submitter. Criteria: Myriad Autosomal Dominant, Autosomal Recessive and X-Linked Classification Criteria (2023). Collection method: clinical testing. Allele origin: unknown.
Comment: This variant is considered pathogenic. This variant creates a frameshift predicted to result in premature protein truncation.

NM_017763.6(RNF43):c.1794_1798del (p.Thr599fs)

Gene: RNF43 (ring finger protein 43; minus strand). Cytogenetic location: 17q22.
Variant type: Deletion.
Coding change: c.1794_1798del on transcript NM_017763.6 (MANE Select); coding-DNA positions 1794 to 1798, 5 bases deleted (CACCA; older notation c.1794_1798delCACCA).
Protein change: p.Thr599fs; shifts the reading frame from threonine 599.
Molecular consequence: frameshift variant.
Genome position (GRCh38, 1-based): chr17:58,357,978-58,357,982, TGGTG deleted on the plus strand (CACCA on the coding strand, the reverse complement: RNF43 is on the minus strand). VCF-style (leftmost placement, unchanged base first): chr17-58357977-CTGGTG-C. GRCh37 (hg19) VCF-style: chr17-56435338-CTGGTG-C.
Other names: c.1794_1798delCACCA (NM_017763.4); c.1794_1798del, p.Thr599fs (NM_001305544.3, NM_001438820.1, NM_001438821.1 and 1 more transcripts); c.1413_1417del, p.Thr472fs (NM_001305545.2, NM_001437987.1); short protein forms T472fs, T599fs.
Identifiers: ClinVar variation 4812969 (VCV004812969.2).